The following is an entry in ClinVar:

NM_021076.4(NEFH):c.767A>G (p.Gln256Arg)

Gene: NEFH (neurofilament heavy chain; plus strand). Cytogenetic location: 22q12.2.
Variant type: single nucleotide variant.
Coding change: c.767A>G on transcript NM_021076.4 (MANE Select); coding-DNA position 767, A replaced by G.
Protein change: p.Gln256Arg; replaces glutamine 256 with arginine.
Molecular consequence: missense variant.
Genome position (GRCh38, 1-based): chr22:29,481,029, A>G. VCF-style: chr22-29481029-A-G. GRCh37 (hg19) VCF-style: chr22-29877018-A-G.
Other names: short protein forms Q256R.
Identifiers: ClinVar variation 1760095 (VCV001760095.5), dbSNP rs2063004222, ClinGen allele CA411123993.

ClinVar aggregate classification (germline): Uncertain significance. Review status: criteria provided, multiple submitters, no conflicts (2 of 4 stars). 2 submissions from 2 submitters: Uncertain significance (2). Last evaluated 2022-12-11.

Conditions:
Inborn genetic diseases. Identifiers: MedGen C0950123, MeSH D030342.

Submissions (2):

Labcorp Genetics (formerly Invitae), Labcorp
Classification: Uncertain significance. Last evaluated: 2022-12-11. Review status: criteria provided, single submitter. Criteria: Invitae Variant Classification Sherloc (09022015). Collection method: clinical testing. Allele origin: germline.
Comment: In summary, the available evidence is currently insufficient to determine the role of this variant in disease. Therefore, it has been classified as a Variant of Uncertain Significance. Advanced modeling of protein sequence and biophysical properties (such as structural, functional, and spatial information, amino acid conservation, physicochemical variation, residue mobility, and thermodynamic stability) performed at Invitae indicates that this missense variant is not expected to disrupt NEFH protein function. ClinVar contains an entry for this variant (Variation ID: 1760095). This variant has not been reported in the literature in individuals affected with NEFH-related conditions. This variant is not present in population databases (gnomAD no frequency). This sequence change replaces glutamine, which is neutral and polar, with arginine, which is basic and polar, at codon 256 of the NEFH protein (p.Gln256Arg).

Ambry Genetics
Classification: Uncertain significance for Inborn genetic diseases. Last evaluated: 2020-04-30. Review status: criteria provided, single submitter. Criteria: Ambry Variant Classification Scheme 2023. Collection method: clinical testing. Allele origin: germline.
Comment: The p.Q256R variant (also known as c.767A>G), located in coding exon 1 of the NEFH gene, results from an A to G substitution at nucleotide position 767. The glutamine at codon 256 is replaced by arginine, an amino acid with highly similar properties. This amino acid position is not well conserved in available vertebrate species. In addition, this alteration is predicted to be tolerated by in silico analysis. Since supporting evidence is limited at this time, the clinical significance of this alteration remains unclear.